The following is an entry in ClinVar:

ClinVar aggregate classification (germline): Likely benign (1 of 4 stars; one submission).

Allele frequency attached by ClinVar (database versions not stated): gnomAD exomes 0.00001 and 0.00003; ExAC 0.00004; gnomAD 0.00009 and 0.00011; TOPMed 0.00011; ESP Exome Variant Server 0.00015; 1000 Genomes Project 0.00020; 1000 Genomes Project 30x 0.00031.
gnomAD v4.1: 23 of 1,597,264 alleles (0.0014%); highest among the groups gnomAD compares: African/African-American, 0.029%; no homozygotes.

Submission:

GeneDx
Classification: Likely benign. Last evaluated: 2018-04-30. Review status: criteria provided, single submitter. Criteria: GeneDx Variant Classification (06012015). Collection method: clinical testing. Allele origin: germline. Affected: yes.
Comment: This variant is considered likely benign or benign based on one or more of the following criteria: it is a conservative change, it occurs at a poorly conserved position in the protein, it is predicted to be benign by multiple in silico algorithms, and/or has population frequency not consistent with disease.

NM_001136472.2(LITAF):c.-5-16T>G

Gene: LITAF (lipopolysaccharide induced TNF factor; minus strand). Cytogenetic location: 16p13.13.
Variant type: single nucleotide variant.
Coding change: c.-5-16T>G on transcript NM_001136472.2 (MANE Select); 16 bases into the intron before 5 bases upstream of the start codon, T replaced by G.
Molecular consequence: intron variant.
Genome position (GRCh38, 1-based): chr16:11,556,751, A>C on the plus strand (T>G on the coding strand, the complement: LITAF is on the minus strand). VCF-style: chr16-11556751-A-C. GRCh37 (hg19) VCF-style: chr16-11650607-A-C.
Other names: c.-5-16T>G (NM_001136473.1, NM_004862.4).
Identifiers: ClinVar variation 682452 (VCV000682452.1), dbSNP rs375979032, ClinGen allele CA7904210.